The following is an entry in ClinVar:

NM_001999.4(FBN2):c.4734C>A (p.Asn1578Lys)

Gene: FBN2 (fibrillin 2; minus strand). Cytogenetic location: 5q23.3.
Variant type: single nucleotide variant.
Coding change: c.4734C>A on transcript NM_001999.4 (MANE Select); coding-DNA position 4734, C replaced by A.
Protein change: p.Asn1578Lys; replaces asparagine 1578 with lysine.
Molecular consequence: missense variant.
Genome position (GRCh38, 1-based): chr5:128,312,779, G>T on the plus strand (C>A on the coding strand, the complement: FBN2 is on the minus strand). VCF-style: chr5-128312779-G-T. GRCh37 (hg19) VCF-style: chr5-127648471-G-T.
Other names: short protein forms N1578K.
Identifiers: ClinVar variation 4255478 (VCV004255478.1).

ClinVar aggregate classification (germline): Uncertain significance (1 of 4 stars; one submission).

Conditions:
Familial thoracic aortic aneurysm and aortic dissection (TAAD). Also called: Thoracic aortic aneurysms and dissections. Identifiers: Orphanet 91387, MedGen C4707243, MONDO:0019625.

Submission:

Ambry Genetics
Classification: Uncertain significance for Familial thoracic aortic aneurysm and aortic dissection. Last evaluated: 2025-09-03. Review status: criteria provided, single submitter. Criteria: Ambry Variant Classification Scheme 2023. Collection method: clinical testing. Allele origin: germline.
Comment: The p.N1578K variant (also known as c.4734C>A), located in coding exon 37 of the FBN2 gene, results from a C to A substitution at nucleotide position 4734. The asparagine at codon 1578 is replaced by lysine, an amino acid with similar properties. This amino acid position is well conserved in available vertebrate species. In addition, the in silico prediction for this alteration is inconclusive. Based on the available evidence, the clinical significance of this variant remains unclear.